The following is an entry in ClinVar:

ClinVar aggregate classification (germline): Uncertain significance (1 of 4 stars; one submission).

Submission:

Labcorp Genetics (formerly Invitae), Labcorp
Classification: Uncertain significance. Last evaluated: 2023-08-20. Review status: criteria provided, single submitter. Criteria: Invitae Variant Classification Sherloc (09022015). Collection method: clinical testing. Allele origin: germline.
Comment: In summary, the available evidence is currently insufficient to determine the role of this variant in disease. Therefore, it has been classified as a Variant of Uncertain Significance. An algorithm developed to predict the effect of missense changes on protein structure and function (PolyPhen-2) suggests that this variant is likely to be disruptive. This variant has not been reported in the literature in individuals affected with RASA2-related conditions. This variant is not present in population databases (gnomAD no frequency). This sequence change replaces isoleucine, which is neutral and non-polar, with threonine, which is neutral and polar, at codon 844 of the RASA2 protein (p.Ile844Thr).

NM_006506.5(RASA2):c.2531T>C (p.Ile844Thr)

Gene: RASA2 (RAS p21 protein activator 2; plus strand). Cytogenetic location: 3q23.
Variant type: single nucleotide variant.
Coding change: c.2531T>C on transcript NM_006506.5 (MANE Select); coding-DNA position 2531, T replaced by C.
Protein change: p.Ile844Thr; replaces isoleucine 844 with threonine.
Molecular consequence: missense variant.
Genome position (GRCh38, 1-based): chr3:141,612,294, T>C. VCF-style: chr3-141612294-T-C. GRCh37 (hg19) VCF-style: chr3-141331136-T-C.
Other names: c.2534T>C, p.Ile845Thr (NM_001303245.3); c.2543T>C, p.Ile848Thr (NM_001303246.3); short protein forms I844T, I845T, I848T.
Identifiers: ClinVar variation 2861144 (VCV002861144.3), dbSNP rs2478892905, ClinGen allele CA354778851.
Genomic context (GRCh38, chr3:141,612,294, plus strand): 5'-AATTTTTGTATTTCTTAAATTTTGAAAAATGACTTTTTTTCTTCTCTAGGGAAAATCCAA[T>C]TGTTGGGAAAGCATCTTAGAGTTTAACAGATTGGTTCAGAAGAACTGGAAAATATTATTT-3'
Protein context (NP_006497.2, residues 834-849): SAKYGSKENP[Ile844Thr]VGKAS